The following is an entry in ClinVar:

ClinVar aggregate classification (germline): Pathogenic (1 of 4 stars; one submission).

Submission:

Labcorp Genetics (formerly Invitae), Labcorp
Classification: Pathogenic. Last evaluated: 2022-09-13. Review status: criteria provided, single submitter. Criteria: Invitae Variant Classification Sherloc (09022015). Collection method: clinical testing. Allele origin: germline.
Comment: For these reasons, this variant has been classified as Pathogenic. This sequence change creates a premature translational stop signal (p.Gly519Valfs*32) in the ABCB11 gene. It is expected to result in an absent or disrupted protein product. Loss-of-function variants in ABCB11 are known to be pathogenic (PMID: 18395098, 20232290). This variant is not present in population databases (gnomAD no frequency). This variant has not been reported in the literature in individuals affected with ABCB11-related conditions.

Literature cited by the submitters: PubMed 18395098; PubMed 20232290.

NM_003742.4(ABCB11):c.1552_1555dup (p.Gly519fs)

Gene: ABCB11 (ATP binding cassette subfamily B member 11; minus strand). Cytogenetic location: 2q31.1.
Variant type: Duplication.
Coding change: c.1552_1555dup on transcript NM_003742.4 (MANE Select); coding-DNA positions 1552 to 1555, 4 bases duplicated (TATG; older notation c.1552_1555dupTATG).
Protein change: p.Gly519fs; shifts the reading frame from glycine 519.
Molecular consequence: frameshift variant.
Genome position (GRCh38, 1-based): chr2:168,971,930-168,971,933, CATA duplicated on the plus strand (TATG on the coding strand, the reverse complement: ABCB11 is on the minus strand). VCF-style (leftmost placement, unchanged base first): chr2-168971929-C-CCATA. GRCh37 (hg19) VCF-style: chr2-169828439-C-CCATA.
Other names: short protein forms G519fs.
Identifiers: ClinVar variation 2030159 (VCV002030159.4), dbSNP rs2545389271, ClinGen allele CA2580064404.
Genomic context (GRCh38, chr2:168,971,929, plus strand): 5'-TTGTAGGCATTGGCCTCCTTGGCAGCTTGGACTATGTCTTCCATTGTTGCATCTTCTCTG[C>CCATA]CATAGCGAATATTTTCTGCAATGGTGGTAGAGAACAGAACTGGCTCTTGCTCCACTATCC-3'